The following is an entry in ClinVar:

NM_000487.6(ARSA):c.370G>A (p.Gly124Ser)

Gene: ARSA (arylsulfatase A; minus strand). Cytogenetic location: 22q13.33.
Variant type: single nucleotide variant.
Coding change: c.370G>A on transcript NM_000487.6 (MANE Select); coding-DNA position 370, G replaced by A.
Protein change: p.Gly124Ser; replaces glycine 124 with serine.
Molecular consequence: missense variant.
Genome position (GRCh38, 1-based): chr22:50,627,261, C>T on the plus strand (G>A on the coding strand, the complement: ARSA is on the minus strand). VCF-style: chr22-50627261-C-T. GRCh37 (hg19) VCF-style: chr22-51065689-C-T.
Other names: ARSA, GLY122SER; c.370G>A, p.Gly124Ser (NM_001085425.3, NM_001085426.3, NM_001085427.3); c.112G>A, p.Gly38Ser (NM_001085428.3, NM_001362782.2); short protein forms G124S, G38S.
Identifiers: ClinVar variation 3063 (VCV000003063.19), dbSNP rs74315461, ClinGen allele CA220987.
Genomic context (GRCh38, chr22:50,627,261, plus strand): 5'-GGAAGCCCTGATGGGGGGGCAGGAAGGCCCCCTCAGGCCCCACCCCAAGGTGCCACTTGC[C>T]GGCCATTCCTGTGAGGTAGCCTCGGGCAGCCAGGACTTCGGCCACGGTCACCTCCTCCAG-3'
Protein context (NP_000478.3, residues 114-134): AARGYLTGMA[Gly124Ser]KWHLGVGPEG

ClinVar aggregate classification (germline): Conflicting classifications of pathogenicity. Review status: criteria provided, conflicting classifications (1 of 4 stars). 10 submissions from 10 submitters: Pathogenic (4); Likely pathogenic (4); Uncertain significance (1). 1 of the submissions does not count toward it. Last evaluated 2026-01-08.

Conditions:
ARSA-related disorder. Also called: ARSA-related condition.
Inborn genetic diseases. Identifiers: MedGen C0950123, MeSH D030342.
Metachromatic leukodystrophy (MLD). Also called: METACHROMATIC LEUKOENCEPHALOPATHY; Arylsulfatase A Deficiency; ARSA DEFICIENCY; CEREBROSIDE SULFATASE DEFICIENCY; SULFATIDE LIPIDOSIS; Cerebral sclerosis diffuse metachromatic form. Identifiers: Orphanet 512, MedGen C0023522, MONDO:0018868, OMIM 250100.

Allele frequency attached by ClinVar (database versions not stated): ExAC 0.00003; gnomAD exomes 0.00001; gnomAD 0.00001.
gnomAD v4.1: 16 of 1,601,472 alleles (0.001%); highest among the groups gnomAD compares: East Asian, 0.0023%; no homozygotes.

Submissions (11):

3billion
Classification: Pathogenic for Metachromatic leukodystrophy. Last evaluated: 2026-01-08. Review status: criteria provided, single submitter. Criteria: ACMG Guidelines, 2015. Collection method: clinical testing. Allele origin: germline. Affected: yes.
Comment: The variant is observed at an extremely low frequency in the gnomAD v4.1.0 dataset (total allele frequency: <0.001%). Predicted Consequence/Location: Missense variant In silico tool predictions suggest damaging effect of the variant on gene or gene product [REVEL: 0.92 (>=0.6, sensitivity 0.68 and specificity 0.92); 3Cnet: 0.99 (> 0.75, sensitivity 0.96 and precision 0.92)]. The same nucleotide change resulting in the same amino acid change has been previously reported as pathogenic/likely pathogenic with strong evidence (ClinVar ID: VCV000003063 /PMID: 7981715). Different missense changes at the same codon (p.Gly124Asp, p.Gly124Cys) have been reported as pathogenic/likely pathogenic with strong evidence (ClinVar ID: VCV000800496, VCV001511352 /PMID: 19021637, 32632536). Therefore, this variant is classified as Pathogenic according to the recommendation of ACMG/AMP guideline.

Natera, Inc.
Classification: Likely pathogenic for Metachromatic leukodystrophy. Last evaluated: 2025-07-18. Review status: criteria provided, single submitter. Criteria: Natera Variant Classification Schema (03/2026). Collection method: clinical testing. Allele origin: germline.
Comment: The c.370G>A variant in ARSA is a missense variant predicted to cause substitution of glycine to serine at amino acid 124. This variant is rare in the general population with a frequency below the threshold expected for the associated phenotype(s). This variant has been observed in one or more individuals affected with the associated recessive disease, as either homozygous or compound heterozygous with a second variant (PMID: 27779215, 31922725). Functional studies show that this variant may disrupt protein function (PMID: 7902317). Computational prediction algorithms indicate this variant is likely to affect gene or protein function. Given the available evidence, this variant is classified as Likely Pathogenic.

Women's Health and Genetics/Laboratory Corporation of America, LabCorp
Classification: Pathogenic for Metachromatic leukodystrophy. Last evaluated: 2024-09-10. Review status: criteria provided, single submitter. Criteria: LabCorp Variant Classification Summary - May 2015. Collection method: clinical testing. Allele origin: germline.
Comment: Variant summary: ARSA c.370G>A (p.Gly124Ser), also reported as p.Gly122Ser, results in a non-conservative amino acid change in the encoded protein sequence. Four of four in-silico tools predict a damaging effect of the variant on protein function. The variant allele was found at a frequency of 1.4e-05 in 216762 control chromosomes. c.370G>A has been reported in the literature in the presumed compound heterozygous or homozygous state in mulitple individuals affected with clinical features of Metachromatic Leukodystrophy (example, (e.g. Honke_1993, Kappler_1994, Wang_2016, Monies_2019, Hong_2020). Publications also reported experimental evidence evaluating an impact on protein function, demonstrating absent protein product in an in vitro expression system (Honke_1993), and less than 1% of normal activity in patient derived cells (Hong_2020). The following publications have been ascertained in the context of this evaluation (PMID: 31922725, 7902317, 7981715, 31130284, 27779215). ClinVar contains an entry for this variant (Variation ID: 3063). Based on the evidence outlined above, the variant was classified as pathogenic.

Labcorp Genetics (formerly Invitae), Labcorp
Classification: Likely pathogenic for Metachromatic leukodystrophy. Last evaluated: 2024-09-01. Review status: criteria provided, single submitter. Criteria: Invitae Variant Classification Sherloc (09022015). Collection method: clinical testing. Allele origin: germline.
Comment: This sequence change replaces glycine, which is neutral and non-polar, with serine, which is neutral and polar, at codon 124 of the ARSA protein (p.Gly124Ser). This variant is present in population databases (rs74315461, gnomAD 0.007%). This missense change has been observed in individual(s) with clinical features of ARSA-related conditions (PMID: 7902317, 7981715, 31130284). This variant is also known as c.364G>A (p.Gly122Ser). ClinVar contains an entry for this variant (Variation ID: 3063). Invitae Evidence Modeling of protein sequence and biophysical properties (such as structural, functional, and spatial information, amino acid conservation, physicochemical variation, residue mobility, and thermodynamic stability) indicates that this missense variant is expected to disrupt ARSA protein function with a positive predictive value of 95%. Experimental studies have shown that this missense change affects ARSA function (PMID: 7902317). This variant disrupts the p.Gly124 amino acid residue in ARSA. Other variant(s) that disrupt this residue have been determined to be pathogenic (PMID: 19021637). This suggests that this residue is clinically significant, and that variants that disrupt this residue are likely to be disease-causing. In summary, the currently available evidence indicates that the variant is pathogenic, but additional data are needed to prove that conclusively. Therefore, this variant has been classified as Likely Pathogenic.

Illumina Laboratory Services, Illumina
Classification: Likely pathogenic for Metachromatic leukodystrophy. Last evaluated: 2024-01-23. Review status: criteria provided, single submitter. Criteria: ICSLVariantClassificationCriteria RUGD 01 April 2020. Collection method: clinical testing. Allele origin: unknown.
Comment: The ARSA c.370G>A p.(Gly124Ser) missense variant, also referred to as c.364G>A p.(Gly122Ser), has been identified in both a homozygous and compound heterozygous state in individuals with a phenotype consistent with metachromatic leukodystrophy (PMID: 7902317; 7981715; 27779215; 31130284; 31922725). This variant is not observed at a significant frequency in version 2.1.1 or version 4.0.0 of the Genome Aggregation Database. Functional studies conducted in patient cells and non-human cell lines demonstrated that this variant results in reduced arylsulfatase enzymatic activity (PMID: 7902317; 31922725). Additionally, two different amino acid substitutions at the same codon, [p.(Gly124Asp) and p.(Gly124Cys)] have been reported in individuals with infantile onset metachromatic leukodystrophy (PMID: 32632536; 19021637). Multiple lines of computational evidence suggest the variant may impact the gene or gene product. Based on the available evidence, the c.370G>A p.(Gly124Ser) variant is classified as likely pathogenic for metachromatic leukodystrophy.

Foundation for Research in Genetics and Endocrinology, FRIGE's Institute of Human Genetics
Classification: Pathogenic for Metachromatic leukodystrophy. Last evaluated: 2023-10-20. Review status: criteria provided, single submitter. Criteria: ACMG Guidelines, 2015. Collection method: clinical testing. Allele origin: germline. Inheritance: Autosomal recessive inheritance. Affected: yes. Observed: 1 homozygote.
Comment: Homozygous status for variant c.370G>A (p.Gly124Ser) in exon 2 of the ARSB gene. This variant has not been reported in 1000 genomes and has MAF of 0.0014% in gnomAD databases. The in-silico prediction of the variant is deleterious by SIFT, Mutation Taster, FATHM and DANN. The reference codon is conserved across species. In summary, the variant meets our criteria to be classified as pathogenic.

PreventionGenetics, part of Exact Sciences
Classification: Likely pathogenic for ARSA-related condition. Last evaluated: 2023-02-20. Review status: criteria provided, single submitter. Criteria: ACMG Guidelines, 2015. Collection method: clinical testing. Allele origin: germline.
Comment: The ARSA c.370G>A variant is predicted to result in the amino acid substitution p.Gly124Ser. This variant has been reported in the homozygous, compound heterozygous, and heterozygous states (with no second variant found) in individuals with autosomal recessive metachromatic leukodystrophy (Kappler et al. 1994. PubMed ID: 7981715; Monies et al. 2019. PubMed ID: 31130284; Hou et al. 2020. PubMed ID: 31980526; Honke et al. 1993. PubMed ID: 7902317). Functional studies support its pathogenicity (Honke et al. 1993. PubMed ID: 7902317). This variant is reported in 0.0063% of alleles in individuals of East Asian descent in gnomAD. We classify this variant as likely pathogenic.

Ambry Genetics
Classification: Pathogenic for Inborn genetic diseases. Last evaluated: 2017-01-31. Review status: criteria provided, single submitter. Criteria: Ambry exome assertion method (8-5-2015). Collection method: clinical testing. Allele origin: germline. Affected: yes. Observed: 1 variant allele.

Eurofins Ntd Llc (ga)
Classification: Uncertain significance. Last evaluated: 2016-10-27. Review status: criteria provided, single submitter. Criteria: EGL Classification Definitions 2015. Collection method: clinical testing. Allele origin: germline. Observed: 1 variant allele, 1 heterozygote.

OMIM
Classification: Pathogenic for METACHROMATIC LEUKODYSTROPHY. Last evaluated: 1994-01-01. Review status: no assertion criteria provided. Collection method: literature only. Allele origin: germline. Not counted in ClinVar's aggregate classification.

Gelb Laboratory, University of Washington
No classification provided (evidence only). Condition: Metachromatic leukodystrophy. Review status: no classification provided. Collection method: in vitro. Allele origin: not applicable. Functional consequence: loss of function. Not counted in ClinVar's aggregate classification.

Literature cited by the submitters: PubMed 19021637 (cited by 3 submitters); PubMed 7981715 (cited by 6 submitters); PubMed 27779215 (cited by 3 submitters); PubMed 31922725 (cited by 3 submitters); PubMed 7902317 (cited by 6 submitters); PubMed 31130284 (cited by 3 submitters); PubMed 32632536 (cited by Illumina Laboratory Services, Illumina).